The following is an entry in ClinVar:

ClinVar aggregate classification (germline): Uncertain significance (1 of 4 stars; one submission).

Conditions:
Cutis laxa, autosomal recessive, type 1B (ARCL1B). Also called: EFEMP2-Related Cutis Laxa; CUTIS LAXA, AUTOSOMAL RECESSIVE, TYPE IB. Identifiers: Orphanet 90349, MedGen C3280798, MONDO:0013754, OMIM 614437. Disease mechanism: loss of function.

Submission:

Labcorp Genetics (formerly Invitae), Labcorp
Classification: Uncertain significance for Cutis laxa, autosomal recessive, type 1B. Last evaluated: 2020-02-05. Review status: criteria provided, single submitter. Criteria: Invitae Variant Classification Sherloc (09022015). Collection method: clinical testing. Allele origin: germline.
Comment: In summary, the available evidence is currently insufficient to determine the role of this variant in disease. Therefore, it has been classified as a Variant of Uncertain Significance. Algorithms developed to predict the effect of sequence changes on RNA splicing suggest that this variant may create or strengthen a splice site, but this prediction has not been confirmed by published transcriptional studies. This variant has not been reported in the literature in individuals with EFEMP2-related conditions. This variant is not present in population databases (ExAC no frequency). This sequence change affects codon 370 of the EFEMP2 mRNA. It is a 'silent' change, meaning that it does not change the encoded amino acid sequence of the EFEMP2 protein.

NM_016938.5(EFEMP2):c.1110C>A (p.Pro370=)

Gene: EFEMP2 (EGF-like fibulin extracellular matrix protein 2; minus strand). Cytogenetic location: 11q13.1.
Variant type: single nucleotide variant.
Coding change: c.1110C>A on transcript NM_016938.5 (MANE Select); coding-DNA position 1110, C replaced by A.
Protein change: p.Pro370=; no amino-acid change (proline 370 retained).
Molecular consequence: synonymous variant. On other transcripts: non-coding transcript variant (1).
Genome position (GRCh38, 1-based): chr11:65,867,921, G>T on the plus strand (C>A on the coding strand, the complement: EFEMP2 is on the minus strand). VCF-style: chr11-65867921-G-T. GRCh37 (hg19) VCF-style: chr11-65635392-G-T.
Identifiers: ClinVar variation 1045287 (VCV001045287.9), dbSNP rs146180527, ClinGen allele CA475316079.